The following is an entry in ClinVar:

NM_004260.4(RECQL4):c.1207T>G (p.Cys403Gly)

Gene: RECQL4 (RecQ like helicase 4; minus strand). Cytogenetic location: 8q24.3.
Variant type: single nucleotide variant.
Coding change: c.1207T>G on transcript NM_004260.4 (MANE Select); coding-DNA position 1207, T replaced by G.
Protein change: p.Cys403Gly; replaces cysteine 403 with glycine.
Molecular consequence: missense variant. On other transcripts: non-coding transcript variant (3), intron variant (1).
Genome position (GRCh38, 1-based): chr8:144,515,815, A>C on the plus strand (T>G on the coding strand, the complement: RECQL4 is on the minus strand). VCF-style: chr8-144515815-A-C. GRCh37 (hg19) VCF-style: chr8-145741199-A-C.
Other names: c.1111T>G, p.Cys371Gly (NM_001413017.1, NM_001413020.1); c.1207T>G, p.Cys403Gly (NM_001413018.1, NM_001413019.1, NM_001413033.1 and 2 more transcripts); c.136T>G, p.Cys46Gly (NM_001413021.1, NM_001413022.1, NM_001413023.1 and 8 more transcripts); c.1078T>G, p.Cys360Gly (NM_001413025.1); c.74T>G, p.Leu25Trp (NM_001413027.1, NM_001413030.1, NM_001413031.1 and 2 more transcripts); c.856T>G, p.Cys286Gly (NM_001413029.1); c.-210+173T>G (NM_001413043.1); short protein forms C403G, C286G, C371G, L25W, C46G, C360G.
Identifiers: ClinVar variation 3944318 (VCV003944318.1).

ClinVar aggregate classification (germline): Uncertain significance (1 of 4 stars; one submission).

Conditions:
Inborn genetic diseases. Identifiers: MedGen C0950123, MeSH D030342.

gnomAD v4.1: 2 of 1,612,874 alleles (0.00012%); highest among the groups gnomAD compares: Non-Finnish European, 0.00017%; no homozygotes.

Submission:

Ambry Genetics
Classification: Uncertain significance for Inborn genetic diseases. Last evaluated: 2025-05-11. Review status: criteria provided, single submitter. Criteria: Ambry Variant Classification Scheme 2023. Collection method: clinical testing. Allele origin: germline.
Comment: The p.C403G variant (also known as c.1207T>G), located in coding exon 6 of the RECQL4 gene, results from a T to G substitution at nucleotide position 1207. The cysteine at codon 403 is replaced by glycine, an amino acid with highly dissimilar properties. This amino acid position is conserved. In addition, the in silico prediction for this alteration is inconclusive. Based on the available evidence, the clinical significance of this variant remains unclear.